The following is an entry in ClinVar:

ClinVar aggregate classification (germline): Pathogenic (1 of 4 stars; one submission).

Submission:

Labcorp Genetics (formerly Invitae), Labcorp
Classification: Pathogenic. Last evaluated: 2023-11-06. Review status: criteria provided, single submitter. Criteria: Invitae Variant Classification Sherloc (09022015). Collection method: clinical testing. Allele origin: germline.
Comment: This sequence change creates a premature translational stop signal (p.Ser467Phefs*15) in the GFM1 gene. It is expected to result in an absent or disrupted protein product. Loss-of-function variants in GFM1 are known to be pathogenic (PMID: 16632485, 17160893). This variant is not present in population databases (gnomAD no frequency). This variant has not been reported in the literature in individuals affected with GFM1-related conditions. For these reasons, this variant has been classified as Pathogenic.

Literature cited by the submitters: PubMed 16632485; PubMed 17160893.

NM_024996.7(GFM1):c.1399dup (p.Ser467fs)

Gene: GFM1 (G elongation factor mitochondrial 1; plus strand). Cytogenetic location: 3q25.32.
Variant type: Duplication.
Coding change: c.1399dup on transcript NM_024996.7 (MANE Select); coding-DNA position 1399, one base duplicated (T; older notation c.1399dupT).
Protein change: p.Ser467fs; shifts the reading frame from serine 467.
Molecular consequence: frameshift variant. On other transcripts: non-coding transcript variant (4).
Genome position (GRCh38, 1-based): chr3:158,665,355, T duplicated; the last of 4 consecutive T bases (chr3:158,665,352-158,665,355); duplicating any one gives the same sequence. VCF-style (leftmost placement, unchanged base first): chr3-158665351-A-AT. GRCh37 (hg19) VCF-style: chr3-158383140-A-AT.
Other names: c.1456dup, p.Ser486fs (NM_001308164.2); c.1399dup, p.Ser467fs (NM_001308166.2); c.1318dup, p.Ser440fs (NM_001374355.1); c.1282dup, p.Ser428fs (NM_001374356.1); c.1174dup, p.Ser392fs (NM_001374357.1); c.940dup, p.Ser314fs (NM_001374358.1); c.832dup, p.Ser278fs (NM_001374359.1, NM_001374360.1); c.715dup, p.Ser239fs (NM_001374361.1); short protein forms S239fs, S486fs, S278fs, S314fs, S392fs, S428fs, S440fs, S467fs.
Identifiers: ClinVar variation 2693626 (VCV002693626.3), dbSNP rs1485460114, ClinGen allele CA901391030.